The following is an entry in ClinVar:

NM_014845.6(FIG4):c.2119G>A (p.Gly707Arg)

Gene: FIG4 (FIG4 phosphoinositide 5-phosphatase; plus strand). Cytogenetic location: 6q21.
Variant type: single nucleotide variant.
Coding change: c.2119G>A on transcript NM_014845.6 (MANE Select); coding-DNA position 2119, G replaced by A.
Protein change: p.Gly707Arg; replaces glycine 707 with arginine.
Molecular consequence: missense variant.
Genome position (GRCh38, 1-based): chr6:109,789,616, G>A. VCF-style: chr6-109789616-G-A. GRCh37 (hg19) VCF-style: chr6-110110819-G-A.
Other names: short protein forms G707R.
Identifiers: ClinVar variation 1029315 (VCV001029315.1), dbSNP rs376570182, ClinGen allele CA3956294.

ClinVar aggregate classification (germline): Uncertain significance (1 of 4 stars; one submission).

Conditions:
Bilateral parasagittal parieto-occipital polymicrogyria. Also called: Polymicrogyria, bilateral temporooccipital. Identifiers: Orphanet 208441, MedGen C4013648, MONDO:0012986, OMIM 612691.

Allele frequency attached by ClinVar (database versions not stated): ExAC 0.00001; gnomAD exomes 0.00001.
gnomAD v4.1: 4 of 1,613,410 alleles (0.00025%); highest among the groups gnomAD compares: Middle Eastern, 0.033%; no homozygotes.

Submission:

Baylor Genetics
Classification: Uncertain significance for Bilateral parasagittal parieto-occipital polymicrogyria. Last evaluated: 2020-06-09. Review status: criteria provided, single submitter. Criteria: ACMG Guidelines, 2015. Collection method: clinical testing. Allele origin: unknown. Affected: yes.
Comment: This variant was determined to be of uncertain significance according to ACMG Guidelines, 2015 [PMID:25741868].